The following is an entry in ClinVar:

ClinVar aggregate classification (germline): Likely benign (1 of 4 stars; one submission).

Conditions:
Wilson disease (WND). Also called: Wilson's disease. Identifiers: Orphanet 905, MedGen C0019202, MONDO:0010200, OMIM 277900. Disease mechanism: loss of function.

Submission:

All of Us Research Program, National Institutes of Health
Classification: Likely benign for Wilson disease. Last evaluated: 2024-02-05. Review status: criteria provided, single submitter. Criteria: ACMG Guidelines, 2015. Collection method: clinical testing. Allele origin: germline. Inheritance: Autosomal recessive inheritance. Observed: 1 variant allele, 1 heterozygote.
Comment: This study involves interpretation of variants in research participants for the purpose of population health screening. Participant phenotype was not available at the time of variant classification. Additional details can be found in publication PMID: 35346344, PMCID: PMC8962531

NM_000053.4(ATP7B):c.1870-14T>C

Gene: ATP7B (ATPase copper transporting beta; minus strand). Cytogenetic location: 13q14.3.
Variant type: single nucleotide variant.
Coding change: c.1870-14T>C on transcript NM_000053.4 (MANE Select); 14 bases into the intron before coding-DNA position 1870, T replaced by C.
Molecular consequence: intron variant.
Genome position (GRCh38, 1-based): chr13:51,961,927, A>G on the plus strand (T>C on the coding strand, the complement: ATP7B is on the minus strand). VCF-style: chr13-51961927-A-G. GRCh37 (hg19) VCF-style: chr13-52536063-A-G.
Other names: c.1869+2945T>C (NM_001406541.1, NM_001406531.1, NM_001406532.1 and 5 more transcripts); c.1870-14T>C (NM_001406527.1, NM_001406537.1, NM_001406521.1 and 16 more transcripts); c.1773+2945T>C (NM_001406543.1, NM_001406544.1); c.1537-14T>C (NM_001243182.2); c.1286-11766T>C (NM_001406548.1); c.1837-14T>C (NM_001406524.1, NM_001406514.1); c.1708-4320T>C (NM_001406547.1, NM_001406545.1); c.1774-14T>C (NM_001406518.1, NM_001406536.1, NM_001406530.1 and 1 more transcripts); and 1 more.
Identifiers: ClinVar variation 3075478 (VCV003075478.1), dbSNP rs1958773382, ClinGen allele CA2091553727.